The following is an entry in ClinVar:

ClinVar aggregate classification (germline): Uncertain significance. Review status: criteria provided, multiple submitters, no conflicts (2 of 4 stars). 2 submissions from 2 submitters: Uncertain significance (2). Last evaluated 2025-09-28.

Conditions:
Inborn genetic diseases. Identifiers: MedGen C0950123, MeSH D030342.

Submissions (2):

Ambry Genetics
Classification: Uncertain significance for Inborn genetic diseases. Last evaluated: 2025-09-28. Review status: criteria provided, single submitter. Criteria: Ambry Variant Classification Scheme 2023. Collection method: clinical testing. Allele origin: germline.
Comment: The p.W183G variant (also known as c.547T>G), located in coding exon 6 of the FANCA gene, results from a T to G substitution at nucleotide position 547. The tryptophan at codon 183 is replaced by glycine, an amino acid with highly dissimilar properties. This amino acid position is conserved. In addition, the in silico prediction for this alteration is inconclusive. Based on the available evidence, the clinical significance of this variant remains unclear.

Quest Diagnostics Nichols Institute San Juan Capistrano
Classification: Uncertain significance. Last evaluated: 2024-08-14. Review status: criteria provided, single submitter. Criteria: Quest Diagnostics criteria. Collection method: clinical testing. Allele origin: unknown.
Comment: The FANCA c.547T>G (p.Trp183Gly) variant has not been reported in individuals with FANCA-related conditions in the published literature. It also has not been reported in large, multi-ethnic general populations (Genome Aggregation Database). Analysis of this variant using bioinformatics tools for the prediction of the effect of amino acid changes on protein structure and function yielded conflicting predictions that this variant is benign or damaging. Based on the available information, we are unable to determine the clinical significance of this variant.

NM_000135.4(FANCA):c.547T>G (p.Trp183Gly)

Gene: FANCA (FA complementation group A; minus strand). Cytogenetic location: 16q24.3.
Variant type: single nucleotide variant.
Coding change: c.547T>G on transcript NM_000135.4 (MANE Select); coding-DNA position 547, T replaced by G.
Protein change: p.Trp183Gly; replaces tryptophan 183 with glycine.
Molecular consequence: missense variant.
Genome position (GRCh38, 1-based): chr16:89,808,343, A>C on the plus strand (T>G on the coding strand, the complement: FANCA is on the minus strand). VCF-style: chr16-89808343-A-C. GRCh37 (hg19) VCF-style: chr16-89874751-A-C.
Other names: c.547T>G, p.Trp183Gly (NM_001018112.3, NM_001286167.3); c.451T>G, p.Trp151Gly (NM_001351830.2); short protein forms W183G, W151G.
Identifiers: ClinVar variation 3572407 (VCV003572407.2).